The following is an entry in ClinVar:

NM_007289.4(MME):c.1441G>A (p.Gly481Ser)

Gene: MME (membrane metalloendopeptidase; plus strand). Cytogenetic location: 3q25.2.
Variant type: single nucleotide variant.
Coding change: c.1441G>A on transcript NM_007289.4 (MANE Select); coding-DNA position 1441, G replaced by A.
Protein change: p.Gly481Ser; replaces glycine 481 with serine.
Molecular consequence: missense variant.
Genome position (GRCh38, 1-based): chr3:155,147,168, G>A. VCF-style: chr3-155147168-G-A. GRCh37 (hg19) VCF-style: chr3-154864957-G-A.
Other names: c.1441G>A, p.Gly481Ser (NM_000902.5, NM_001354642.2, NM_001354643.1 and 2 more transcripts); short protein forms G481S.
Identifiers: ClinVar variation 1518564 (VCV001518564.6), dbSNP rs201180963, ClinGen allele CA2675514.

ClinVar aggregate classification (germline): Uncertain significance. Review status: criteria provided, multiple submitters, no conflicts (2 of 4 stars). 2 submissions from 2 submitters: Uncertain significance (2). Last evaluated 2025-09-02.

Allele frequency attached by ClinVar (database versions not stated): TOPMed 0.00002; ExAC 0.00003; gnomAD 0.00004; gnomAD exomes 0.00005 and 0.00013.

Submissions (2):

Labcorp Genetics (formerly Invitae), Labcorp
Classification: Uncertain significance. Last evaluated: 2025-09-02. Review status: criteria provided, single submitter. Criteria: Invitae Variant Classification Sherloc (09022015). Collection method: clinical testing. Allele origin: germline.
Comment: This sequence change replaces glycine, which is neutral and non-polar, with serine, which is neutral and polar, at codon 481 of the MME protein (p.Gly481Ser). This variant is present in population databases (rs201180963, gnomAD 0.009%). This variant has not been reported in the literature in individuals affected with MME-related conditions. ClinVar contains an entry for this variant (Variation ID: 1518564). Invitae Evidence Modeling of protein sequence and biophysical properties (such as structural, functional, and spatial information, amino acid conservation, physicochemical variation, residue mobility, and thermodynamic stability) indicates that this missense variant is not expected to disrupt MME protein function with a negative predictive value of 80%. In summary, the available evidence is currently insufficient to determine the role of this variant in disease. Therefore, it has been classified as a Variant of Uncertain Significance.

Blueprint Genetics
Classification: Uncertain significance. Last evaluated: 2024-02-26. Review status: criteria provided, single submitter. Criteria: ACMG Guidelines, 2015. Collection method: clinical testing. Allele origin: germline.